The following is an entry in ClinVar:

ClinVar aggregate classification (germline): Pathogenic (1 of 4 stars; one submission).

Conditions:
Galactosylceramide beta-galactosidase deficiency. Also called: Krabbe Disease; GALACTOCEREBROSIDASE DEFICIENCY; GALC DEFICIENCY; GLOBOID CELL LEUKOENCEPHALOPATHY; Leukodystrophy, Globoid Cell. Identifiers: Orphanet 487, MedGen C0023521, MONDO:0009499, OMIM 245200.

Submission:

Foundation for Research in Genetics and Endocrinology, FRIGE's Institute of Human Genetics
Classification: Pathogenic for Galactosylceramide beta-galactosidase deficiency. Last evaluated: 2021-09-18. Review status: criteria provided, single submitter. Criteria: ACMG Guidelines, 2015. Collection method: clinical testing. Allele origin: germline. Inheritance: Autosomal recessive inheritance. Affected: yes. Observed: 1 compound heterozygote.
Comment: A heterozygous frameshift variation in exon 17 of the GALC gene that results in the termination of amino acid 2 codons downstream of proline at codon 655 was detected. The observed variant c.1964del (p.Pro655LeufsTer2) has not been reported in the 1000 genomes and gnomAD databases. The in-silico prediction of the variant is disease causing by MutationTaster2. The reference codon is conserved across species. In summary, the variant meets our criteria to be classified as a pathogenic variant.

NM_000153.4(GALC):c.1964del (p.Pro655fs)

Gene: GALC (galactosylceramidase; minus strand). Cytogenetic location: 14q31.3.
Variant type: Deletion.
Coding change: c.1964del on transcript NM_000153.4 (MANE Select); coding-DNA position 1964, one base deleted (C; older notation c.1964delC).
Protein change: p.Pro655fs; shifts the reading frame from proline 655.
Molecular consequence: frameshift variant.
Genome position (GRCh38, 1-based): chr14:87,934,826, G deleted on the plus strand (C on the coding strand, the reverse complement: GALC is on the minus strand); the first of 3 consecutive G bases (chr14:87,934,826-87,934,828); deleting any one gives the same sequence. VCF-style (leftmost placement, unchanged base first): chr14-87934825-AG-A. GRCh37 (hg19) VCF-style: chr14-88401169-AG-A.
Other names: p.Pro655LeufsTer2; c.1895del, p.Pro632fs (NM_001201401.2); c.1886del, p.Pro629fs (NM_001201402.2); short protein forms P629fs, P632fs, P655fs.
Identifiers: ClinVar variation 1298354 (VCV001298354.3), dbSNP rs2139925832, ClinGen allele CA487354734.